The following is an entry in ClinVar:

NM_004181.5(UCHL1):c.436G>A (p.Val146Met)

Gene: UCHL1 (ubiquitin C-terminal hydrolase L1; plus strand). Cytogenetic location: 4p13.
Variant type: single nucleotide variant.
Coding change: c.436G>A on transcript NM_004181.5 (MANE Select); coding-DNA position 436, G replaced by A.
Protein change: p.Val146Met; replaces valine 146 with methionine.
Molecular consequence: missense variant.
Genome position (GRCh38, 1-based): chr4:41,261,900, G>A. VCF-style: chr4-41261900-G-A. GRCh37 (hg19) VCF-style: chr4-41263917-G-A.
Other names: short protein forms V146M.
Identifiers: ClinVar variation 3007429 (VCV003007429.7), dbSNP rs764784241, ClinGen allele CA2900023.

ClinVar aggregate classification (germline): Uncertain significance. Review status: criteria provided, multiple submitters, no conflicts (2 of 4 stars). 2 submissions from 2 submitters: Uncertain significance (2). Last evaluated 2026-01-01.

Allele frequency attached by ClinVar (database versions not stated): gnomAD exomes below 0.00001; ExAC 0.00001; gnomAD 0.00001; TOPMed 0.00001.
gnomAD v4.1: 7 of 1,614,000 alleles (0.00043%); highest among the groups gnomAD compares: African/African-American, 0.0027%; no homozygotes.

Submissions (2):

CeGaT Center for Human Genetics Tuebingen
Classification: Uncertain significance. Last evaluated: 2026-01-01. Review status: criteria provided, single submitter. Criteria: CeGaT Center For Human Genetics Tuebingen Variant Classification Criteria Version 2. Collection method: clinical testing. Allele origin: germline. Affected: yes. Observed: 1 variant allele.
Comment: UCHL1: PM2

Labcorp Genetics (formerly Invitae), Labcorp
Classification: Uncertain significance. Last evaluated: 2023-06-09. Review status: criteria provided, single submitter. Criteria: Invitae Variant Classification Sherloc (09022015). Collection method: clinical testing. Allele origin: germline.
Comment: This sequence change replaces valine, which is neutral and non-polar, with methionine, which is neutral and non-polar, at codon 146 of the UCHL1 protein (p.Val146Met). This variant is present in population databases (rs764784241, gnomAD 0.0009%). This variant has not been reported in the literature in individuals affected with UCHL1-related conditions. An algorithm developed to predict the effect of missense changes on protein structure and function (PolyPhen-2) suggests that this variant is likely to be disruptive. In summary, the available evidence is currently insufficient to determine the role of this variant in disease. Therefore, it has been classified as a Variant of Uncertain Significance.